The following is an entry in ClinVar:

NM_020831.6(MRTFA):c.3028C>T (p.Pro1010Ser)

Gene: MRTFA (myocardin related transcription factor A; minus strand). Cytogenetic location: 22q13.1.
Variant type: single nucleotide variant.
Coding change: c.3028C>T on transcript NM_020831.6 (MANE Select); coding-DNA position 3028, C replaced by T.
Protein change: p.Pro1010Ser; replaces proline 1010 with serine.
Molecular consequence: missense variant. On other transcripts: 3 prime UTR variant (1).
Genome position (GRCh38, 1-based): chr22:40,411,458, G>A on the plus strand (C>T on the coding strand, the complement: MRTFA is on the minus strand). VCF-style: chr22-40411458-G-A. GRCh37 (hg19) VCF-style: chr22-40807462-G-A.
Other names: c.2728C>T, p.Pro910Ser (NM_001282660.2); c.2878C>T, p.Pro960Ser (NM_001282661.3); c.*341C>T (NM_001282662.3); c.2833C>T, p.Pro945Ser (NM_001318139.2); short protein forms P1010S, P910S, P960S, P945S.
Identifiers: ClinVar variation 2068718 (VCV002068718.4), dbSNP rs748122443, ClinGen allele CA10249171.
Genomic context (GRCh38, chr22:40,411,458, plus strand): 5'-AGGAATCCCAGTGCAGCTGCAAATCATGGCCATCGAGGAAGTCTGTGGAGAAGAGGCTGG[G>A]GGCTGTGGTGCTGAGGGGGGCTAGGCTCAGCACGGGACCACCTGACGACAGCTCCAGCCA-3'
Protein context (NP_065882.2, residues 1000-1020): LSLAPLSTTA[Pro1010Ser]SLFSTDFLDG

ClinVar aggregate classification (germline): Uncertain significance (1 of 4 stars; one submission).

Allele frequency attached by ClinVar (database versions not stated): ExAC 0.00001.

Submission:

Labcorp Genetics (formerly Invitae), Labcorp
Classification: Uncertain significance. Last evaluated: 2022-01-01. Review status: criteria provided, single submitter. Criteria: Invitae Variant Classification Sherloc (09022015). Collection method: clinical testing. Allele origin: germline.
Comment: In summary, the available evidence is currently insufficient to determine the role of this variant in disease. Therefore, it has been classified as a Variant of Uncertain Significance. Algorithms developed to predict the effect of missense changes on protein structure and function are either unavailable or do not agree on the potential impact of this missense change (SIFT: "Tolerated"; PolyPhen-2: "Probably Damaging"; Align-GVGD: "Class C0"). This variant has not been reported in the literature in individuals affected with MKL1-related conditions. The frequency data for this variant in the population databases is considered unreliable, as metrics indicate poor data quality at this position in the gnomAD database. This sequence change replaces proline, which is neutral and non-polar, with serine, which is neutral and polar, at codon 910 of the MKL1 protein (p.Pro910Ser).